The following is an entry in ClinVar:

NM_031935.3(HMCN1):c.1115T>C (p.Leu372Pro)

Gene: HMCN1 (hemicentin 1; plus strand). Cytogenetic location: 1q31.1.
Variant type: single nucleotide variant.
Coding change: c.1115T>C on transcript NM_031935.3 (MANE Select); coding-DNA position 1115, T replaced by C.
Protein change: p.Leu372Pro; replaces leucine 372 with proline.
Molecular consequence: missense variant.
Genome position (GRCh38, 1-based): chr1:185,923,483, T>C. VCF-style: chr1-185923483-T-C. GRCh37 (hg19) VCF-style: chr1-185892615-T-C.
Other names: short protein forms L372P.
Identifiers: ClinVar variation 1356798 (VCV001356798.6), dbSNP rs1667101291, ClinGen allele CA343893041.

ClinVar aggregate classification (germline): Uncertain significance (1 of 4 stars; one submission).

Allele frequency attached by ClinVar (database versions not stated): gnomAD exomes below 0.00001; gnomAD 0.00001.
gnomAD v4.1: 2 of 1,611,770 alleles (0.00012%); highest among the groups gnomAD compares: Non-Finnish European, 0.00017%; no homozygotes.

Submission:

Labcorp Genetics (formerly Invitae), Labcorp
Classification: Uncertain significance. Last evaluated: 2023-11-20. Review status: criteria provided, single submitter. Criteria: Invitae Variant Classification Sherloc (09022015). Collection method: clinical testing. Allele origin: germline.
Comment: This sequence change replaces leucine, which is neutral and non-polar, with proline, which is neutral and non-polar, at codon 372 of the HMCN1 protein (p.Leu372Pro). This variant is not present in population databases (gnomAD no frequency). This variant has not been reported in the literature in individuals affected with HMCN1-related conditions. ClinVar contains an entry for this variant (Variation ID: 1356798). An algorithm developed to predict the effect of missense changes on protein structure and function (PolyPhen-2) suggests that this variant is likely to be disruptive. In summary, the available evidence is currently insufficient to determine the role of this variant in disease. Therefore, it has been classified as a Variant of Uncertain Significance.